The following is an entry in ClinVar:

ClinVar aggregate classification (germline): Uncertain significance. Review status: criteria provided, multiple submitters, no conflicts (2 of 4 stars). 4 submissions from 4 submitters: Uncertain significance (4). Last evaluated 2025-08-19.

Conditions:
Cardiovascular phenotype. Identifiers: MedGen CN230736.
Dilated cardiomyopathy 1G (CMD1G). Identifiers: Orphanet 154, MedGen C1858763, MONDO:0011400, OMIM 604145.
Autosomal recessive limb-girdle muscular dystrophy type 2J (LGMDR10). Also called: MUSCULAR DYSTROPHY, LIMB-GIRDLE, AUTOSOMAL RECESSIVE 10; Limb-girdle muscular dystrophy, type 2J. Identifiers: Orphanet 140922, MedGen C1837342, MONDO:0012127, OMIM 608807.
TTN-related disorder. Also called: TTN-related condition; TTN-related disease; TTN-related disorders.

Allele frequency attached by ClinVar (database versions not stated): TOPMed below 0.00001; gnomAD 0.00001; gnomAD exomes 0.00001; ExAC 0.00002.
gnomAD v4.1: 4 of 1,473,738 alleles (0.00027%); highest among the groups gnomAD compares: East Asian, 0.011%; no homozygotes.

Submissions (4):

PreventionGenetics, part of Exact Sciences
Classification: Uncertain significance for TTN-related condition. Last evaluated: 2025-08-19. Review status: criteria provided, single submitter. Criteria: ACMG Guidelines, 2015. Collection method: clinical testing. Allele origin: germline.
Comment: The TTN c.40877-3C>A variant is predicted to interfere with splicing. To our knowledge, this variant has not been reported in the literature. This variant is reported in 0.023% of alleles in individuals of East Asian descent in gnomAD. At this time, the clinical significance of this variant is uncertain due to the absence of conclusive functional and genetic evidence.

Ambry Genetics
Classification: Uncertain significance for Cardiovascular phenotype. Last evaluated: 2025-04-16. Review status: criteria provided, single submitter. Criteria: Ambry Variant Classification Scheme 2023. Collection method: clinical testing. Allele origin: germline.
Comment: The c.13682-3C>A intronic variant results from a C to A substitution 3 nucleotides upstream from coding exon 51 in the TTN gene. This nucleotide position is not well conserved in available vertebrate species. In silico splice site analysis predicts that this alteration will weaken the native splice acceptor site. Based on the available evidence, the clinical significance of this variant remains unclear.

Revvity Omics, Revvity
Classification: Uncertain significance. Last evaluated: 2019-07-03. Review status: criteria provided, single submitter. Criteria: ACMG Guidelines, 2015. Collection method: clinical testing. Allele origin: germline.

Labcorp Genetics (formerly Invitae), Labcorp
Classification: Uncertain significance for Dilated cardiomyopathy 1G; Autosomal recessive limb-girdle muscular dystrophy type 2J. Last evaluated: 2017-10-10. Review status: criteria provided, single submitter. Criteria: Invitae Variant Classification Sherloc (09022015). Collection method: clinical testing. Allele origin: germline.

NM_001267550.2(TTN):c.40877-3C>A

Gene: TTN (titin; minus strand). Cytogenetic location: 2q31.2.
Variant type: single nucleotide variant.
Coding change: c.40877-3C>A on transcript NM_001267550.2 (MANE Select); 3 bases into the intron before coding-DNA position 40877, C replaced by A.
Molecular consequence: intron variant.
Genome position (GRCh38, 1-based): chr2:178,637,422, G>T on the plus strand (C>A on the coding strand, the complement: TTN is on the minus strand). VCF-style: chr2-178637422-G-T. GRCh37 (hg19) VCF-style: chr2-179502149-G-T.
Other names: c.13682-3C>A (NM_003319.4); c.14258-3C>A (NM_133437.4); c.14057-3C>A (NM_133432.3); c.33173-3C>A (NM_133378.4); c.35954-3C>A (NM_001256850.1).
Identifiers: ClinVar variation 535411 (VCV000535411.8), dbSNP rs746615904, ClinGen allele CA1996356.
Genomic context (GRCh38, chr2:178,637,422, plus strand): 5'-ATTTCACCTTTGATAGGACCTTTTGGCTTGGCAGCCTCTTCCTTAGGTGCTTTGGCTTCT[G>T]AAATAAAAATAAAACTCAGCATTTAAACACTTTTCGGACTTATTTCATGTTTAATAGTAA-3'